The following is an entry in ClinVar:

ClinVar aggregate classification (germline): Uncertain significance (1 of 4 stars; one submission).

Conditions:
Developmental and epileptic encephalopathy, 2 (DEE2). Also called: INFANTILE SPASM SYNDROME, X-LINKED 2; CDKL5 deficiency disorder. Identifiers: Orphanet 1934, Orphanet 3451, Orphanet 505652, MedGen C4750718, MONDO:0010396, OMIM 300672.
Angelman syndrome-like. Identifiers: MedGen CN128785.

Submission:

Labcorp Genetics (formerly Invitae), Labcorp
Classification: Uncertain significance for Developmental and epileptic encephalopathy, 2; Angelman syndrome-like. Last evaluated: 2023-03-30. Review status: criteria provided, single submitter. Criteria: Invitae Variant Classification Sherloc (09022015). Collection method: clinical testing. Allele origin: germline.
Comment: In summary, the available evidence is currently insufficient to determine the role of this variant in disease. Therefore, it has been classified as a Variant of Uncertain Significance. This variant disrupts the p.Glu60 amino acid residue in CDKL5. Other variant(s) that disrupt this residue have been observed in individuals with CDKL5-related conditions (PMID: 34229227), which suggests that this may be a clinically significant amino acid residue. Advanced modeling of protein sequence and biophysical properties (such as structural, functional, and spatial information, amino acid conservation, physicochemical variation, residue mobility, and thermodynamic stability) performed at Invitae indicates that this missense variant is expected to disrupt CDKL5 protein function. This missense change has been observed in individual(s) with CDKL5-related conditions (PMID: 34490615). This variant is not present in population databases (gnomAD no frequency). This sequence change replaces glutamic acid, which is acidic and polar, with glycine, which is neutral and non-polar, at codon 60 of the CDKL5 protein (p.Glu60Gly).

Literature cited by the submitters: PubMed 34229227; PubMed 34490615.

NM_001323289.2(CDKL5):c.179A>G (p.Glu60Gly)

Gene: CDKL5 (cyclin dependent kinase like 5; plus strand). Cytogenetic location: Xp22.13.
Variant type: single nucleotide variant.
Coding change: c.179A>G on transcript NM_001323289.2 (MANE Select); coding-DNA position 179, A replaced by G.
Protein change: p.Glu60Gly; replaces glutamic acid 60 with glycine.
Molecular consequence: missense variant.
Genome position (GRCh38, 1-based): chrX:18,575,387, A>G. VCF-style: chrX-18575387-A-G. GRCh37 (hg19) VCF-style: chrX-18593507-A-G.
Other names: c.179A>G, p.Glu60Gly (NM_001037343.2, NM_003159.3); short protein forms E60G.
Identifiers: ClinVar variation 2946007 (VCV002946007.3), dbSNP rs2518844580, ClinGen allele CA412348596.